The following is an entry in ClinVar:

ClinVar aggregate classification (germline): Benign. Review status: criteria provided, multiple submitters, no conflicts (2 of 4 stars). 3 submissions from 3 submitters: Benign (2). 1 of the submissions does not count toward it. Last evaluated 2019-02-27.

Conditions:
CACNA1I-related disorder. Also called: CACNA1I-related condition.

Allele frequency attached by ClinVar (database versions not stated): ESP Exome Variant Server 0.62643; gnomAD exomes 0.64465; gnomAD 0.65495 and 0.65558; TOPMed 0.67600; ExAC 0.68263; 1000 Genomes Project 30x 0.74703; 1000 Genomes Project 0.74840.
gnomAD v4.1: 912,971 of 1,595,552 alleles (57%); highest among the groups gnomAD compares: East Asian, 99%; 270,889 homozygotes.

Submissions (3):

GeneDx
Classification: Benign. Last evaluated: 2019-02-27. Review status: criteria provided, single submitter. Criteria: GeneDx Variant Classification Process June 2021. Collection method: clinical testing. Allele origin: germline. Affected: yes.

Breakthrough Genomics
Classification: Benign. Review status: criteria provided, single submitter. Criteria: ACMG Guidelines, 2015. Collection method: not provided. Allele origin: germline. Inheritance: Autosomal dominant inheritance. Affected: yes.

PreventionGenetics, part of Exact Sciences
Classification: Benign for CACNA1I-related condition. Last evaluated: 2019-10-16. Review status: no assertion criteria provided. Collection method: clinical testing. Allele origin: germline. Not counted in ClinVar's aggregate classification.
Comment: This variant is classified as benign based on ACMG/AMP sequence variant interpretation guidelines (Richards et al. 2015 PMID: 25741868, with internal and published modifications).

NM_021096.4(CACNA1I):c.2157T>C (p.Ile719=)

Gene: CACNA1I (calcium voltage-gated channel subunit alpha1 I; plus strand). Cytogenetic location: 22q13.1.
Variant type: single nucleotide variant.
Coding change: c.2157T>C on transcript NM_021096.4 (MANE Select); coding-DNA position 2157, T replaced by C.
Protein change: p.Ile719=; no amino-acid change (isoleucine 719 retained).
Molecular consequence: synonymous variant.
Genome position (GRCh38, 1-based): chr22:39,658,943, T>C. VCF-style: chr22-39658943-T-C. GRCh37 (hg19) VCF-style: chr22-40054948-T-C.
Other names: c.2052T>C, p.Ile684= (NM_001003406.2).
Identifiers: ClinVar variation 1179483 (VCV001179483.5), dbSNP rs5757761, ClinGen allele CA10244109.